The following is an entry in ClinVar:

ClinVar aggregate classification (germline): Uncertain significance (1 of 4 stars; one submission).

Conditions:
Chédiak-Higashi syndrome (CHS). Also called: Chediak-Higashi Syndrome. Identifiers: Orphanet 167, MedGen C0007965, MONDO:0008963, OMIM 214500.

Allele frequency attached by ClinVar (database versions not stated): gnomAD 0.00001; TOPMed 0.00001; ExAC 0.00002; gnomAD exomes 0.00002.
gnomAD v4.1: 25 of 1,613,902 alleles (0.0015%); highest among the groups gnomAD compares: Middle Eastern, 0.016%; no homozygotes.

Submission:

Labcorp Genetics (formerly Invitae), Labcorp
Classification: Uncertain significance for Chédiak-Higashi syndrome. Last evaluated: 2022-09-06. Review status: criteria provided, single submitter. Criteria: Invitae Variant Classification Sherloc (09022015). Collection method: clinical testing. Allele origin: germline.
Comment: This sequence change replaces arginine, which is basic and polar, with cysteine, which is neutral and slightly polar, at codon 207 of the LYST protein (p.Arg207Cys). This variant is present in population databases (rs748789807, gnomAD 0.003%). This variant has not been reported in the literature in individuals affected with LYST-related conditions. Algorithms developed to predict the effect of missense changes on protein structure and function (SIFT, PolyPhen-2, Align-GVGD) all suggest that this variant is likely to be tolerated. In summary, the available evidence is currently insufficient to determine the role of this variant in disease. Therefore, it has been classified as a Variant of Uncertain Significance.

NM_000081.4(LYST):c.619C>T (p.Arg207Cys)

Gene: LYST (lysosomal trafficking regulator; minus strand). Cytogenetic location: 1q42.3.
Variant type: single nucleotide variant.
Coding change: c.619C>T on transcript NM_000081.4 (MANE Select); coding-DNA position 619, C replaced by T.
Protein change: p.Arg207Cys; replaces arginine 207 with cysteine.
Molecular consequence: missense variant.
Genome position (GRCh38, 1-based): chr1:235,810,199, G>A on the plus strand (C>T on the coding strand, the complement: LYST is on the minus strand). VCF-style: chr1-235810199-G-A. GRCh37 (hg19) VCF-style: chr1-235973499-G-A.
Other names: c.619C>T, p.Arg207Cys (NM_001301365.1); short protein forms R207C.
Identifiers: ClinVar variation 1970557 (VCV001970557.2), dbSNP rs748789807, ClinGen allele CA1467593.